The following is an entry in ClinVar:

NM_001378454.1(ALMS1):c.11254A>C (p.Asn3752His)

Gene: ALMS1 (ALMS1 centrosome and basal body associated protein; plus strand). Cytogenetic location: 2p13.1.
Variant type: single nucleotide variant.
Coding change: c.11254A>C on transcript NM_001378454.1 (MANE Select); coding-DNA position 11254, A replaced by C.
Protein change: p.Asn3752His; replaces asparagine 3752 with histidine.
Molecular consequence: missense variant.
Genome position (GRCh38, 1-based): chr2:73,573,131, A>C. VCF-style: chr2-73573131-A-C. GRCh37 (hg19) VCF-style: chr2-73800258-A-C.
Other names: c.11257A>C, p.Asn3753His (NM_015120.4); short protein forms N3752H, N3753H.
Identifiers: ClinVar variation 1326574 (VCV001326574.7), dbSNP rs777251736, ClinGen allele CA1715144.

ClinVar aggregate classification (germline): Uncertain significance. Review status: criteria provided, multiple submitters, no conflicts (2 of 4 stars). 4 submissions from 4 submitters: Uncertain significance (4). Last evaluated 2025-12-01.

Conditions:
Cardiovascular phenotype. Identifiers: MedGen CN230736.
Alstrom syndrome (ALMS). Identifiers: Orphanet 64, MedGen C0268425, MONDO:0008763, OMIM 203800.

Allele frequency attached by ClinVar (database versions not stated): TOPMed 0.00001; ExAC 0.00002.
gnomAD v4.1: 10 of 1,614,062 alleles (0.00062%); highest among the groups gnomAD compares: Middle Eastern, 0.017%; no homozygotes.

Submissions (4):

Ambry Genetics
Classification: Uncertain significance for Cardiovascular phenotype. Last evaluated: 2025-12-01. Review status: criteria provided, single submitter. Criteria: Ambry Variant Classification Scheme 2023. Collection method: clinical testing. Allele origin: germline.
Comment: The p.N3753H variant (also known as c.11257A>C), located in coding exon 16 of the ALMS1 gene, results from an A to C substitution at nucleotide position 11257. The asparagine at codon 3753 is replaced by histidine, an amino acid with similar properties. This amino acid position is well conserved in available vertebrate species. In addition, this alteration is predicted to be tolerated by in silico analysis. Based on the available evidence, the clinical significance of this variant remains unclear.

GeneDx
Classification: Uncertain significance. Last evaluated: 2025-02-24. Review status: criteria provided, single submitter. Criteria: GeneDx Variant Classification Process June 2021. Collection method: clinical testing. Allele origin: germline. Affected: yes.
Comment: Not observed at significant frequency in large population cohorts (gnomAD); In silico analysis indicates that this missense variant does not alter protein structure/function; Has not been previously published as pathogenic or benign to our knowledge

Fulgent Genetics
Classification: Uncertain significance for Alstrom syndrome. Last evaluated: 2021-11-15. Review status: criteria provided, single submitter. Criteria: ACMG Guidelines, 2015. Collection method: clinical testing. Allele origin: unknown.

Labcorp Genetics (formerly Invitae), Labcorp
Classification: Uncertain significance for Alstrom syndrome. Last evaluated: 2021-08-12. Review status: criteria provided, single submitter. Criteria: Invitae Variant Classification Sherloc (09022015). Collection method: clinical testing. Allele origin: germline.
Comment: This sequence change replaces asparagine with histidine at codon 3753 of the ALMS1 protein (p.Asn3753His). This variant is present in population databases (rs777251736, ExAC 0.009%). This variant has not been reported in the literature in individuals affected with ALMS1-related conditions. In summary, the available evidence is currently insufficient to determine the role of this variant in disease. Therefore, it has been classified as a Variant of Uncertain Significance.